The following is an entry in ClinVar:

NM_001278689.2(EOGT):c.430A>G (p.Ser144Gly)

Gene: EOGT (EGF domain specific O-linked N-acetylglucosamine transferase; minus strand). Cytogenetic location: 3p14.1.
Variant type: single nucleotide variant.
Coding change: c.430A>G on transcript NM_001278689.2 (MANE Select); coding-DNA position 430, A replaced by G.
Protein change: p.Ser144Gly; replaces serine 144 with glycine.
Molecular consequence: missense variant. On other transcripts: non-coding transcript variant (1).
Genome position (GRCh38, 1-based): chr3:69,005,225, T>C on the plus strand (A>G on the coding strand, the complement: EOGT is on the minus strand). VCF-style: chr3-69005225-T-C. GRCh37 (hg19) VCF-style: chr3-69054376-T-C.
Other names: c.430A>G, p.Ser144Gly (NM_173654.3); short protein forms S144G.
Identifiers: ClinVar variation 1956323 (VCV001956323.2), dbSNP rs1020006394, ClinGen allele CA76456456.

ClinVar aggregate classification (germline): Uncertain significance (1 of 4 stars; one submission).

Conditions:
Adams-Oliver syndrome 4 (AOS4). Identifiers: Orphanet 974, MedGen C3809092, MONDO:0014124, OMIM 615297.

Allele frequency attached by ClinVar (database versions not stated): gnomAD 0.00002.
gnomAD v4.1: 15 of 1,589,620 alleles (0.00094%); highest among the groups gnomAD compares: Admixed American, 0.0017%; no homozygotes.

Submission:

Labcorp Genetics (formerly Invitae), Labcorp
Classification: Uncertain significance for Adams-Oliver syndrome 4. Last evaluated: 2022-08-05. Review status: criteria provided, single submitter. Criteria: Invitae Variant Classification Sherloc (09022015). Collection method: clinical testing. Allele origin: germline.
Comment: This sequence change replaces serine, which is neutral and polar, with glycine, which is neutral and non-polar, at codon 144 of the EOGT protein (p.Ser144Gly). The frequency data for this variant in the population databases is considered unreliable, as metrics indicate poor data quality at this position in the gnomAD database. This variant has not been reported in the literature in individuals affected with EOGT-related conditions. Algorithms developed to predict the effect of missense changes on protein structure and function output the following: SIFT: "Tolerated"; PolyPhen-2: "Benign"; Align-GVGD: "Class C0". The glycine amino acid residue is found in multiple mammalian species, which suggests that this missense change does not adversely affect protein function. In summary, the available evidence is currently insufficient to determine the role of this variant in disease. Therefore, it has been classified as a Variant of Uncertain Significance.